The following is an entry in ClinVar:

ClinVar aggregate classification (germline): Pathogenic (1 of 4 stars; one submission).

Conditions:
Complement component 3 deficiency. Identifiers: Orphanet 280133, MedGen C3151071, MONDO:0013417, OMIM 613779.

Submission:

Genomenon, Inc
Classification: Pathogenic for Complement component 3 deficiency. Last evaluated: 2026-09-17. Review status: criteria provided, single submitter. Criteria: Genomenon Sequence Variant Interpretation Standards - Updated. Collection method: curation. Allele origin: germline. Affected: yes.
Comment: C3 p.Val604GlyfsTer2 (c.1811del) is a frameshift variant that is predicted to introduce a premature termination codon and result in a truncated or absent protein product. This variant has been observed in at least one proband affected with C3 deficiency (PMID:31970896). It is absent or not present at a significant frequency in gnomAD. In conclusion, we classify C3 p.Val604GlyfsTer2 (c.1811del) as a pathogenic variant.

Literature cited by the submitters: PubMed 31970896.

NM_000064.4(C3):c.1811del (p.Val604fs)

Gene: C3 (complement C3; minus strand). Cytogenetic location: 19p13.3.
Variant type: Deletion.
Coding change: c.1811del on transcript NM_000064.4 (MANE Select); coding-DNA position 1811, one base deleted (T; older notation c.1811delT).
Protein change: p.Val604fs; shifts the reading frame from valine 604.
Molecular consequence: frameshift variant.
Genome position (GRCh38, 1-based): chr19:6,709,718, A deleted on the plus strand (T on the coding strand, the reverse complement: C3 is on the minus strand). VCF-style (leftmost placement, unchanged base first): chr19-6709717-CA-C. GRCh37 (hg19) VCF-style: chr19-6709728-CA-C.
Other names: short protein forms V604fs.
Identifiers: ClinVar variation 4976826 (VCV004976826.1).